The following is an entry in ClinVar:

NM_000138.5(FBN1):c.6371C>T (p.Ser2124Leu)

Gene: FBN1 (fibrillin 1; minus strand). Cytogenetic location: 15q21.1.
Variant type: single nucleotide variant.
Coding change: c.6371C>T on transcript NM_000138.5 (MANE Select); coding-DNA position 6371, C replaced by T.
Protein change: p.Ser2124Leu; replaces serine 2124 with leucine.
Molecular consequence: missense variant.
Genome position (GRCh38, 1-based): chr15:48,437,330, G>A on the plus strand (C>T on the coding strand, the complement: FBN1 is on the minus strand). VCF-style: chr15-48437330-G-A. GRCh37 (hg19) VCF-style: chr15-48729527-G-A.
Other names: c.6371C>T, p.Ser2124Leu (NM_001406716.1); short protein forms S2124L.
Identifiers: ClinVar variation 4756324 (VCV004756324.1).

ClinVar aggregate classification (germline): Uncertain significance (1 of 4 stars; one submission).

Conditions:
Familial thoracic aortic aneurysm and aortic dissection (TAAD). Also called: Thoracic aortic aneurysms and dissections. Identifiers: Orphanet 91387, MedGen C4707243, MONDO:0019625.

gnomAD v4.1: 2 of 1,613,224 alleles (0.00012%); highest among the groups gnomAD compares: Non-Finnish European, 0.00017%; no homozygotes.

Submission:

Color Diagnostics, LLC DBA Color Health
Classification: Uncertain significance for Familial thoracic aortic aneurysm and aortic dissection. Last evaluated: 2025-09-22. Review status: criteria provided, single submitter. Criteria: ACMG Guidelines, 2015. Collection method: clinical testing. Allele origin: germline.
Comment: This missense variant replaces serine with leucine at codon 2124 of the FBN1 protein. Computational prediction suggests that this variant may not impact protein structure and function. To our knowledge, functional studies have not been reported for this variant. This variant has not been reported in individuals affected with FBN1-related disorders in the literature. This variant has not been identified in the general population by the Genome Aggregation Database (gnomAD). The available evidence is insufficient to determine the role of this variant in disease conclusively. Therefore, this variant is classified as a Variant of Uncertain Significance.